The following is an entry in ClinVar:

NM_003470.3(USP7):c.2166C>G (p.Asp722Glu)

Gene: USP7 (ubiquitin specific peptidase 7; minus strand). Cytogenetic location: 16p13.2.
Variant type: single nucleotide variant.
Coding change: c.2166C>G on transcript NM_003470.3 (MANE Select); coding-DNA position 2166, C replaced by G.
Protein change: p.Asp722Glu; replaces aspartic acid 722 with glutamic acid.
Molecular consequence: missense variant. On other transcripts: non-coding transcript variant (1).
Genome position (GRCh38, 1-based): chr16:8,901,032, G>C on the plus strand (C>G on the coding strand, the complement: USP7 is on the minus strand). VCF-style: chr16-8901032-G-C. GRCh37 (hg19) VCF-style: chr16-8994889-G-C.
Other names: c.2118C>G, p.Asp706Glu (NM_001286457.2); c.1869C>G, p.Asp623Glu (NM_001286458.2); c.1992C>G, p.Asp664Glu (NM_001321858.2); short protein forms D706E, D623E, D664E, D722E.
Identifiers: ClinVar variation 3630107 (VCV003630107.2).
Genomic context (GRCh38, chr16:8,901,032, plus strand): 5'-AAAATAAACCATCCAAACCTCATAGAGGATAAGGCTAGTATCTTGAATAAATCCTGCTCT[G>C]TCACACATAACTGGGAGCAAGTCACCTAGGAGAAAGAAGATATTTTAAATGTGTAGCTGT-3'
Protein context (NP_003461.2, residues 712-732): KIRDLLPVMC[Asp722Glu]RAGFIQDTSL

ClinVar aggregate classification (germline): Uncertain significance (1 of 4 stars; one submission).

gnomAD v4.1: 5 of 1,614,098 alleles (0.00031%); highest among the groups gnomAD compares: Non-Finnish European, 0.00034%; no homozygotes.

Submission:

Labcorp Genetics (formerly Invitae), Labcorp
Classification: Uncertain significance. Last evaluated: 2024-12-05. Review status: criteria provided, single submitter. Criteria: Invitae Variant Classification Sherloc (09022015). Collection method: clinical testing. Allele origin: germline.
Comment: This sequence change replaces aspartic acid, which is acidic and polar, with glutamic acid, which is acidic and polar, at codon 722 of the USP7 protein (p.Asp722Glu). This variant is present in population databases (no rsID available, gnomAD 0.0009%). This variant has not been reported in the literature in individuals affected with USP7-related conditions. An algorithm developed to predict the effect of missense changes on protein structure and function outputs the following: PolyPhen-2: "Benign". The glutamic acid amino acid residue is found in multiple mammalian species, which suggests that this missense change does not adversely affect protein function. In summary, the available evidence is currently insufficient to determine the role of this variant in disease. Therefore, it has been classified as a Variant of Uncertain Significance.